The following is an entry in ClinVar:

NM_021147.5(CCNO):c.989C>T (p.Ser330Phe)

Gene: CCNO (cyclin O; minus strand). Cytogenetic location: 5q11.2.
Variant type: single nucleotide variant.
Coding change: c.989C>T on transcript NM_021147.5 (MANE Select); coding-DNA position 989, C replaced by T.
Protein change: p.Ser330Phe; replaces serine 330 with phenylalanine.
Molecular consequence: missense variant. On other transcripts: non-coding transcript variant (3).
Genome position (GRCh38, 1-based): chr5:55,231,439, G>A on the plus strand (C>T on the coding strand, the complement: CCNO is on the minus strand). VCF-style: chr5-55231439-G-A. GRCh37 (hg19) VCF-style: chr5-54527267-G-A.
Other names: short protein forms S330F.
Identifiers: ClinVar variation 454921 (VCV000454921.11), dbSNP rs750696117, ClinGen allele CA3266645.
Genomic context (GRCh38, chr5:55,231,439, plus strand): 5'-TTCGAGCTCGGGGGCAGGCTGCACTTCTCGCAGATCTGAACGGGCAGCATGTGAGTCAAG[G>A]AAGTACTGTTTATGGCCACCAGCAGCTGCAACTTGCCCATACAGTCCTCCAGCGCCGCCT-3'
Protein context (NP_066970.3, residues 320-340): LQLLVAINST[Ser330Phe]LTHMLPVQIC

ClinVar aggregate classification (germline): Uncertain significance (1 of 4 stars; one submission).

Conditions:
Primary ciliary dyskinesia. Also called: Ciliary dyskinesia. Identifiers: Orphanet 244, MedGen C0008780, MONDO:0016575, HP:0012265.

Allele frequency attached by ClinVar (database versions not stated): gnomAD 0.00001.
gnomAD v4.1: 6 of 1,614,048 alleles (0.00037%); highest among the groups gnomAD compares: Admixed American, 0.0017%; no homozygotes.

Submission:

Labcorp Genetics (formerly Invitae), Labcorp
Classification: Uncertain significance for Primary ciliary dyskinesia. Last evaluated: 2022-09-01. Review status: criteria provided, single submitter. Criteria: Invitae Variant Classification Sherloc (09022015). Collection method: clinical testing. Allele origin: germline.
Comment: In summary, the available evidence is currently insufficient to determine the role of this variant in disease. Therefore, it has been classified as a Variant of Uncertain Significance. Algorithms developed to predict the effect of missense changes on protein structure and function are either unavailable or do not agree on the potential impact of this missense change (SIFT: "Tolerated"; PolyPhen-2: "Probably Damaging"; Align-GVGD: "Class C0"). ClinVar contains an entry for this variant (Variation ID: 454921). This variant has not been reported in the literature in individuals affected with CCNO-related conditions. This variant is present in population databases (rs750696117, gnomAD 0.004%). This sequence change replaces serine, which is neutral and polar, with phenylalanine, which is neutral and non-polar, at codon 330 of the CCNO protein (p.Ser330Phe).